The following is an entry in ClinVar:

NM_004168.4(SDHA):c.1260+3G>A

Gene: SDHA (succinate dehydrogenase complex flavoprotein subunit A; plus strand). Cytogenetic location: 5p15.33.
Variant type: single nucleotide variant.
Coding change: c.1260+3G>A on transcript NM_004168.4 (MANE Select); 3 bases into the intron after coding-DNA position 1260, G replaced by A.
Molecular consequence: intron variant.
Genome position (GRCh38, 1-based): chr5:235,342, G>A. VCF-style: chr5-235342-G-A. GRCh37 (hg19) VCF-style: chr5-235457-G-A.
Other names: c.1260+3G>A (NM_001330758.2, NM_004168.2); c.1116+3G>A (NM_001294332.2).
Identifiers: ClinVar variation 3904589 (VCV003904589.2).

ClinVar aggregate classification (germline): Conflicting classifications of pathogenicity. Review status: criteria provided, conflicting classifications (1 of 4 stars). 2 submissions from 2 submitters: Uncertain significance (1); Likely benign (1). Last evaluated 2026-06-01.

Conditions:
Pheochromocytoma/paraganglioma syndrome 5. Also called: Paragangliomas 5; SDHA-Related Hereditary Paraganglioma-Pheochromocytoma Syndrome. Identifiers: Orphanet 29072, MedGen C3279992, MONDO:0013602, OMIM 614165.
Hereditary cancer-predisposing syndrome. Also called: Tumor predisposition; Neoplastic Syndromes, Hereditary; Hereditary neoplastic syndrome; Hereditary Cancer Syndrome. Identifiers: Orphanet 140162, MedGen C0027672, MeSH D009386, MONDO:0015356.

Submissions (2):

Ambry Genetics
Classification: Uncertain significance for Hereditary cancer-predisposing syndrome. Last evaluated: 2026-06-01. Review status: criteria provided, single submitter. Criteria: Ambry Variant Classification Scheme 2023. Collection method: clinical testing. Allele origin: germline.
Comment: The c.1260+3G>A intronic variant results from a G to A substitution 3 nucleotides after coding exon 9 in the SDHA gene. This nucleotide position is not well conserved in available vertebrate species. In silico splice site analysis predicts that this alteration will not have any significant effect on splicing. Based on the available evidence, the clinical significance of this variant remains unclear.

Myriad Genetics, Inc.
Classification: Likely benign for Pheochromocytoma/paraganglioma syndrome 5. Last evaluated: 2025-03-10. Review status: criteria provided, single submitter. Criteria: Myriad Autosomal Dominant, Autosomal Recessive and X-Linked Classification Criteria (2023). Collection method: clinical testing. Allele origin: unknown.
Comment: This variant is considered likely benign. This variant is intronic and is not expected to impact mRNA splicing.